The following is an entry in ClinVar:

ClinVar aggregate classification (germline): Uncertain significance (1 of 4 stars; one submission).

Conditions:
Cholestanol storage disease (CTX). Also called: CEREBRAL CHOLESTERINOSIS; CTX: Cerebrotendinous xanthomatosis; Cerebrotendinous Xanthomatosis. Identifiers: Orphanet 909, MedGen C0238052, MONDO:0008948, OMIM 213700.

Submission:

Labcorp Genetics (formerly Invitae), Labcorp
Classification: Uncertain significance for Cholestanol storage disease. Last evaluated: 2022-05-15. Review status: criteria provided, single submitter. Criteria: Invitae Variant Classification Sherloc (09022015). Collection method: clinical testing. Allele origin: germline.
Comment: In summary, the available evidence is currently insufficient to determine the role of this variant in disease. Therefore, it has been classified as a Variant of Uncertain Significance. Algorithms developed to predict the effect of sequence changes on RNA splicing suggest that this variant may disrupt the consensus splice site. This variant has not been reported in the literature in individuals affected with CYP27A1-related conditions. This variant is not present in population databases (gnomAD no frequency). This sequence change falls in intron 8 of the CYP27A1 gene. It does not directly change the encoded amino acid sequence of the CYP27A1 protein.

NM_000784.4(CYP27A1):c.1477-8C>G

Gene: CYP27A1 (cytochrome P450 family 27 subfamily A member 1; plus strand). Cytogenetic location: 2q35.
Variant type: single nucleotide variant.
Coding change: c.1477-8C>G on transcript NM_000784.4 (MANE Select); 8 bases into the intron before coding-DNA position 1477, C replaced by G.
Molecular consequence: intron variant.
Genome position (GRCh38, 1-based): chr2:218,814,903, C>G. VCF-style: chr2-218814903-C-G. GRCh37 (hg19) VCF-style: chr2-219679626-C-G.
Identifiers: ClinVar variation 2120420 (VCV002120420.4), dbSNP rs1461082000, ClinGen allele CA2580065721.